The following is an entry in ClinVar:

ClinVar aggregate classification (germline): Uncertain significance. Review status: criteria provided, multiple submitters, no conflicts (2 of 4 stars). 2 submissions from 2 submitters: Uncertain significance (2). Last evaluated 2026-08-30.

Conditions:
Hereditary cancer-predisposing syndrome. Also called: Hereditary Cancer Syndrome; Hereditary neoplastic syndrome; Neoplastic Syndromes, Hereditary; Tumor predisposition. Identifiers: Orphanet 140162, MedGen C0027672, MeSH D009386, MONDO:0015356.

Submissions (2):

Ambry Genetics
Classification: Uncertain significance for Hereditary cancer-predisposing syndrome. Last evaluated: 2026-08-30. Review status: criteria provided, single submitter. Criteria: Ambry Variant Classification Scheme 2023. Collection method: clinical testing. Allele origin: germline.
Comment: The p.Y1018H variant (also known as c.3052T>C), located in coding exon 25 of the POLE gene, results from a T to C substitution at nucleotide position 3052. The tyrosine at codon 1018 is replaced by histidine, an amino acid with similar properties. This amino acid position is conserved. In addition, the in silico prediction for this alteration is inconclusive. Based on the available evidence, the clinical significance of this variant remains unclear.

Labcorp Genetics (formerly Invitae), Labcorp
Classification: Uncertain significance. Last evaluated: 2025-02-18. Review status: criteria provided, single submitter. Criteria: Invitae Variant Classification Sherloc (09022015). Collection method: clinical testing. Allele origin: germline.
Comment: This sequence change replaces tyrosine, which is neutral and polar, with histidine, which is basic and polar, at codon 1018 of the POLE protein (p.Tyr1018His). This variant is not present in population databases (gnomAD no frequency). This variant has not been reported in the literature in individuals affected with POLE-related conditions. Invitae Evidence Modeling of protein sequence and biophysical properties (such as structural, functional, and spatial information, amino acid conservation, physicochemical variation, residue mobility, and thermodynamic stability) indicates that this missense variant is not expected to disrupt POLE protein function with a negative predictive value of 80%. In summary, the available evidence is currently insufficient to determine the role of this variant in disease. Therefore, it has been classified as a Variant of Uncertain Significance.

NM_006231.4(POLE):c.3052T>C (p.Tyr1018His)

Gene: POLE (DNA polymerase epsilon, catalytic subunit; minus strand). Cytogenetic location: 12q24.33.
Variant type: single nucleotide variant.
Coding change: c.3052T>C on transcript NM_006231.4 (MANE Select); coding-DNA position 3052, T replaced by C.
Protein change: p.Tyr1018His; replaces tyrosine 1018 with histidine.
Molecular consequence: missense variant.
Genome position (GRCh38, 1-based): chr12:132,660,977, A>G on the plus strand (T>C on the coding strand, the complement: POLE is on the minus strand). VCF-style: chr12-132660977-A-G. GRCh37 (hg19) VCF-style: chr12-133237563-A-G.
Other names: c.3052T>C (NM_006231.2); short protein forms Y1018H.
Identifiers: ClinVar variation 4748739 (VCV004748739.2).
Genomic context (GRCh38, chr12:132,660,977, plus strand): 5'-TGCTTCATCCTTCATCCCTCAGAGCAGGTGAGGGTGGAGGGTAGGCCTTTACCTTGCTGT[A>G]CAGCACGTCCAGCCAGTAGTCAGCCACCTTGGCTACAGAGCCATACACCTCTTCCAGCGT-3'
Protein context (NP_006222.2, residues 1008-1028): KVADYWLDVL[Tyr1018His]SKAANMPDSE